The following is an entry in ClinVar:

NM_001852.4(COL9A2):c.150+111C>G

Gene: COL9A2 (collagen type IX alpha 2 chain; minus strand). Cytogenetic location: 1p34.2.
Variant type: single nucleotide variant.
Coding change: c.150+111C>G on transcript NM_001852.4 (MANE Select); 111 bases into the intron after coding-DNA position 150, C replaced by G.
Molecular consequence: intron variant.
Genome position (GRCh38, 1-based): chr1:40,315,479, G>C on the plus strand (C>G on the coding strand, the complement: COL9A2 is on the minus strand). VCF-style: chr1-40315479-G-C. GRCh37 (hg19) VCF-style: chr1-40781151-G-C.
Identifiers: ClinVar variation 677987 (VCV000677987.2), dbSNP rs139561954, ClinGen allele CA15091092.
Genomic context (GRCh38, chr1:40,315,479, plus strand): 5'-GGTTTTTGCAGAACAAACGGCGTCCTTGTGGTGCGGGCCGGCGCCGCCTATTGGCGACGA[G>C]GGGCACTACATCTCCGGGCACCCCGAAGTCCCCACCCCCACCACAGCGCTCACAAAGTTC-3'

ClinVar aggregate classification (germline): Likely benign. Review status: criteria provided, multiple submitters, no conflicts (2 of 4 stars). 2 submissions from 2 submitters: Likely benign (2). Last evaluated 2018-06-14.

Allele frequency attached by ClinVar (database versions not stated): 1000 Genomes Project 30x 0.01156; 1000 Genomes Project 0.01198; TOPMed 0.02727; gnomAD 0.02830 and 0.02923; gnomAD exomes 0.04047.
gnomAD v4.1: 57,163 of 1,465,384 alleles (3.9%); highest among the groups gnomAD compares: Non-Finnish European, 4.5%; 1,282 homozygotes.

Submissions (2):

GeneDx
Classification: Likely benign. Last evaluated: 2018-06-14. Review status: criteria provided, single submitter. Criteria: GeneDx Variant Classification (06012015). Collection method: clinical testing. Allele origin: germline. Affected: yes.
Comment: This variant is considered likely benign or benign based on one or more of the following criteria: it is a conservative change, it occurs at a poorly conserved position in the protein, it is predicted to be benign by multiple in silico algorithms, and/or has population frequency not consistent with disease.

Breakthrough Genomics
Classification: Likely benign. Review status: criteria provided, single submitter. Criteria: ACMG Guidelines, 2015. Collection method: not provided. Allele origin: germline. Inheritance: Autosomal recessive inheritance. Affected: yes.